The following is an entry in ClinVar:

NM_000136.3(FANCC):c.1257del (p.Thr420fs)

Genes: FANCC (FA complementation group C; minus strand), AOPEP (aminopeptidase O (putative); plus strand). Cytogenetic location: 9q22.32.
Variant type: Deletion.
Coding change: c.1257del on transcript NM_000136.3 (MANE Select); coding-DNA position 1257, one base deleted (C; older notation c.1257delC).
Protein change: p.Thr420fs; shifts the reading frame from threonine 420.
Molecular consequence: frameshift variant.
Genome position (GRCh38, 1-based): chr9:95,111,535, G deleted on the plus strand (C on the coding strand, the reverse complement: FANCC is on the minus strand); the first of 6 consecutive G bases (chr9:95,111,535-95,111,540); deleting any one gives the same sequence. VCF-style (leftmost placement, unchanged base first): chr9-95111534-TG-T. GRCh37 (hg19) VCF-style: chr9-97873816-TG-T.
Other names: c.1257del, p.Thr420fs (NM_001243743.2, NM_001243744.2); c.1257del (NM_000136.2); c.1257delC (NM_000136.2); short protein forms T420fs.
Identifiers: ClinVar variation 649717 (VCV000649717.10), dbSNP rs765551897, ClinGen allele CA915947020.

ClinVar aggregate classification (germline): Pathogenic/Likely pathogenic. Review status: criteria provided, multiple submitters, no conflicts (2 of 4 stars). 4 submissions from 4 submitters: Pathogenic (3); Likely pathogenic (1). Last evaluated 2025-11-12.

Conditions:
Fanconi anemia complementation group A (FANCA). Also called: FANCA-Related Fanconi Anemia; Fanconi anemia, group A. Identifiers: Orphanet 84, MedGen C3469521, MONDO:0009215, OMIM 227650.
Fanconi anemia (FA). Also called: Fanconi's anemia. Identifiers: Orphanet 84, MedGen C0015625, MeSH D005199, MONDO:0019391.
Fanconi anemia complementation group C (FANCC). Also called: FANCC-Related Fanconi Anemia; Fanconi anemia, group C; FANCONI PANCYTOPENIA, TYPE 3; FACC. Identifiers: Orphanet 84, MedGen C3468041, MONDO:0009213, OMIM 227645.

Submissions (4):

Natera, Inc.
Classification: Likely pathogenic for Fanconi anemia. Last evaluated: 2025-11-12. Review status: criteria provided, single submitter. Criteria: Natera Variant Classification Schema (03/2026). Collection method: clinical testing. Allele origin: germline.
Comment: The c.1257del variant in FANCC is a frameshift variant predicted to shift the reading frame beginning at codon 420 and leads to a stop codon 27 codons downstream. This variant is expected to result in nonsense mediated decay, truncation, or a dysfunctional protein product. This variant is rare in the general population with a frequency below the threshold expected for the associated phenotype(s). Given the available evidence, this variant is classified as Likely Pathogenic.

Baylor Genetics
Classification: Pathogenic for Fanconi anemia complementation group C. Last evaluated: 2023-07-07. Review status: criteria provided, single submitter. Criteria: ACMG Guidelines, 2015. Collection method: clinical testing. Allele origin: unknown.

Mendelics
Classification: Pathogenic for Fanconi anemia complementation group A. Last evaluated: 2019-05-28. Review status: criteria provided, single submitter. Criteria: Mendelics Assertion Criteria 2017. Collection method: clinical testing. Allele origin: unknown.

Labcorp Genetics (formerly Invitae), Labcorp
Classification: Pathogenic for Fanconi anemia. Last evaluated: 2018-07-20. Review status: criteria provided, single submitter. Criteria: Invitae Variant Classification Sherloc (09022015). Collection method: clinical testing. Allele origin: germline.
Comment: Loss-of-function variants in FANCC are known to be pathogenic (PMID: 17924555). For these reasons, this variant has been classified as Pathogenic. This variant has not been reported in the literature in individuals with FANCC-related disease. This variant is not present in population databases (ExAC no frequency). This sequence change creates a premature translational stop signal (p.Thr420Argfs*27) in the FANCC gene. It is expected to result in an absent or disrupted protein product.

Literature cited by the submitters: PubMed 17924555 (cited by Labcorp Genetics (formerly Invitae), Labcorp).